The following is an entry in ClinVar:

NM_020719.3(PRR12):c.2028dup (p.Ser677fs)

Gene: PRR12 (proline rich 12; plus strand). Cytogenetic location: 19q13.33.
Variant type: Duplication.
Coding change: c.2028dup on transcript NM_020719.3 (MANE Select); coding-DNA position 2028, one base duplicated (G; older notation c.2028dupG).
Protein change: p.Ser677fs; shifts the reading frame from serine 677.
Molecular consequence: frameshift variant.
Genome position (GRCh38, 1-based): chr19:49,596,363, G duplicated; the last of 6 consecutive G bases (chr19:49,596,358-49,596,363); duplicating any one gives the same sequence. VCF-style (leftmost placement, unchanged base first): chr19-49596357-T-TG. GRCh37 (hg19) VCF-style: chr19-50099614-T-TG.
Other names: short protein forms S677fs.
Identifiers: ClinVar variation 4813548 (VCV004813548.1).

ClinVar aggregate classification (germline): Pathogenic (1 of 4 stars; one submission).

Conditions:
Neuroocular syndrome 1 (NOC1). Identifiers: Orphanet 659904, MedGen C5925133, MONDO:0971007, OMIM 619539.

Submission:

Mendelics
Classification: Pathogenic for Neuroocular syndrome 1. Last evaluated: 2026-03-05. Review status: criteria provided, single submitter. Criteria: ACMG Guidelines, 2015. Collection method: clinical testing. Allele origin: unknown.
Comment: Likely pathogenic/Pathogenic according to ACMG criteria.